The following is an entry in ClinVar:

NM_024577.4(SH3TC2):c.2942_2944dup (p.Ile981dup)

Gene: SH3TC2 (SH3 domain and tetratricopeptide repeats 2; minus strand). Cytogenetic location: 5q32.
Variant type: Duplication.
Coding change: c.2942_2944dup on transcript NM_024577.4 (MANE Select); coding-DNA positions 2942 to 2944, 3 bases duplicated (TCA; older notation c.2942_2944dupTCA).
Protein change: p.Ile981dup; duplicates isoleucine 981.
Molecular consequence: inframe insertion.
Genome position (GRCh38, 1-based): chr5:149,026,681-149,026,683, TGA duplicated on the plus strand (TCA on the coding strand, the reverse complement: SH3TC2 is on the minus strand); duplicating any 3 consecutive bases within chr5:149,026,681-149,026,685 gives the same sequence; the c. name uses the placement nearest the transcript's 3' end. VCF-style (leftmost placement, unchanged base first): chr5-149026680-G-GTGA. GRCh37 (hg19) VCF-style: chr5-148406243-G-GTGA.
Identifiers: ClinVar variation 1347096 (VCV001347096.8), dbSNP rs2127396888, ClinGen allele CA2573139254.

ClinVar aggregate classification (germline): Uncertain significance (1 of 4 stars; one submission).

Conditions:
Charcot-Marie-Tooth disease type 4. Also called: Charcot-Marie-Tooth, Type 4; Charcot-Marie-Tooth disease, type IV. Identifiers: Orphanet 64749, MedGen C4082197, MONDO:0018995.

Submission:

Labcorp Genetics (formerly Invitae), Labcorp
Classification: Uncertain significance for Charcot-Marie-Tooth disease type 4. Last evaluated: 2021-03-15. Review status: criteria provided, single submitter. Criteria: Invitae Variant Classification Sherloc (09022015). Collection method: clinical testing. Allele origin: germline.
Comment: In summary, the available evidence is currently insufficient to determine the role of this variant in disease. Therefore, it has been classified as a Variant of Uncertain Significance. Experimental studies and prediction algorithms are not available or were not evaluated, and the functional significance of this variant is currently unknown. This variant has not been reported in the literature in individuals with SH3TC2-related conditions. This variant is not present in population databases (ExAC no frequency). This variant, c.2942_2944dup, results in the insertion of 1 amino acid(s) to the SH3TC2 protein (p.Ile981dup), but otherwise preserves the integrity of the reading frame.